The following is an entry in ClinVar:

NM_001321075.3(DLG4):c.8G>A (p.Cys3Tyr)

Genes: ACADVL (acyl-CoA dehydrogenase very long chain; plus strand), DLG4 (discs large MAGUK scaffold protein 4; minus strand). Cytogenetic location: 17p13.1.
Variant type: single nucleotide variant.
Coding change: c.8G>A on transcript NM_001321075.3 (MANE Select); coding-DNA position 8, G replaced by A.
Protein change: p.Cys3Tyr; replaces cysteine 3 with tyrosine.
Molecular consequence: missense variant. On other transcripts: 5 prime UTR variant (1), intron variant (2).
Genome position (GRCh38, 1-based): chr17:7,217,140, C>T on the plus strand (G>A on the coding strand, the complement: DLG4 is on the minus strand). VCF-style: chr17-7217140-C-T. GRCh37 (hg19) VCF-style: chr17-7120459-C-T.
Other names: c.8G>A, p.Cys3Tyr (NM_001128827.4); c.-6C>T (NM_001270447.2); c.159+1101G>A (NM_001365.5, NM_001321074.1); short protein forms C3Y.
Identifiers: ClinVar variation 5020374 (VCV005020374.1).

ClinVar aggregate classification (germline): Uncertain significance (1 of 4 stars; one submission).

Submission:

Dasa
Classification: Uncertain significance. Last evaluated: 2026-06-15. Review status: criteria provided, single submitter. Criteria: DASA Assertion Criteria. Collection method: clinical testing. Allele origin: germline.
Comment: NM_001321075.3(DLG4):c.8G>A (p.Cys3Tyr) is a missense variant that results in the substitution of cysteine with tyrosine. This variant is rare in population databases. The currently available literature and clinical evidence are not sufficient to establish a definitive association between this variant and the reported condition. Therefore, this variant is classified as a variant of uncertain significance.